The following is an entry in ClinVar:

ClinVar aggregate classification (germline): Uncertain significance. Review status: criteria provided, multiple submitters, no conflicts (2 of 4 stars). 2 submissions from 2 submitters: Uncertain significance (2). Last evaluated 2024-06-10.

Allele frequency attached by ClinVar (database versions not stated): TOPMed 0.00003; gnomAD 0.00005; ExAC 0.00006; gnomAD exomes 0.00006.
gnomAD v4.1: 95 of 1,614,010 alleles (0.0059%); highest among the groups gnomAD compares: Middle Eastern, 0.033%; no homozygotes.

Submissions (2):

Ambry Genetics
Classification: Uncertain significance. Last evaluated: 2024-06-10. Review status: criteria provided, single submitter. Criteria: Ambry Variant Classification Scheme 2023. Collection method: clinical testing. Allele origin: germline.

Labcorp Genetics (formerly Invitae), Labcorp
Classification: Uncertain significance. Last evaluated: 2023-02-26. Review status: criteria provided, single submitter. Criteria: Invitae Variant Classification Sherloc (09022015). Collection method: clinical testing. Allele origin: germline.
Comment: In summary, the available evidence is currently insufficient to determine the role of this variant in disease. Therefore, it has been classified as a Variant of Uncertain Significance. Advanced modeling of protein sequence and biophysical properties (such as structural, functional, and spatial information, amino acid conservation, physicochemical variation, residue mobility, and thermodynamic stability) has been performed at Invitae for this missense variant, however the output from this modeling did not meet the statistical confidence thresholds required to predict the impact of this variant on FAT2 protein function. This variant has not been reported in the literature in individuals affected with FAT2-related conditions. This variant is present in population databases (rs759658767, gnomAD 0.01%). This sequence change replaces phenylalanine, which is neutral and non-polar, with leucine, which is neutral and non-polar, at codon 1851 of the FAT2 protein (p.Phe1851Leu).

NM_001447.3(FAT2):c.5553T>G (p.Phe1851Leu)

Genes: SLC36A1 (solute carrier family 36 member 1; plus strand), FAT2 (FAT atypical cadherin 2; minus strand). Cytogenetic location: 5q33.1.
Variant type: single nucleotide variant.
Coding change: c.5553T>G on transcript NM_001447.3 (MANE Select); coding-DNA position 5553, T replaced by G.
Protein change: p.Phe1851Leu; replaces phenylalanine 1851 with leucine.
Molecular consequence: missense variant.
Genome position (GRCh38, 1-based): chr5:151,545,574, A>C on the plus strand (T>G on the coding strand, the complement: FAT2 is on the minus strand). VCF-style: chr5-151545574-A-C. GRCh37 (hg19) VCF-style: chr5-150925135-A-C.
Other names: c.5553T>G (NM_001447.2); short protein forms F1851L.
Identifiers: ClinVar variation 2917002 (VCV002917002.4), dbSNP rs759658767, ClinGen allele CA3521268.